The following is an entry in ClinVar:

NM_198834.3(ACACA):c.802+5G>A

Gene: ACACA (acetyl-CoA carboxylase alpha; minus strand). Cytogenetic location: 17q12.
Variant type: single nucleotide variant.
Coding change: c.802+5G>A on transcript NM_198834.3 (MANE Select); 5 bases into the intron after coding-DNA position 802, G replaced by A.
Molecular consequence: intron variant.
Genome position (GRCh38, 1-based): chr17:37,277,028, C>T on the plus strand (G>A on the coding strand, the complement: ACACA is on the minus strand). VCF-style: chr17-37277028-C-T. GRCh37 (hg19) VCF-style: chr17-35633921-C-T.
Other names: c.691+5G>A (NM_198839.3, NM_198836.3); c.517+5G>A (NM_198837.2); c.457+5G>A (NM_198838.2).
Identifiers: ClinVar variation 4709422 (VCV004709422.1).

ClinVar aggregate classification (germline): Uncertain significance (1 of 4 stars; one submission).

gnomAD v4.1: 65 of 1,612,106 alleles (0.004%); highest among the groups gnomAD compares: Non-Finnish European, 0.0048%; no homozygotes.

Submission:

Labcorp Genetics (formerly Invitae), Labcorp
Classification: Uncertain significance. Last evaluated: 2025-11-22. Review status: criteria provided, single submitter. Criteria: Invitae Variant Classification Sherloc (09022015). Collection method: clinical testing. Allele origin: germline.
Comment: This sequence change falls in intron 11 of the ACACA gene. It does not directly change the encoded amino acid sequence of the ACACA protein. It affects a nucleotide within the consensus splice site. This variant is present in population databases (rs747785060, gnomAD 0.01%). This variant has not been reported in the literature in individuals affected with ACACA-related conditions. Variants that disrupt the consensus splice site are a relatively common cause of aberrant splicing (PMID: 17576681, 9536098). Algorithms developed to predict the effect of sequence changes on RNA splicing suggest that this variant may disrupt the consensus splice site. In summary, the available evidence is currently insufficient to determine the role of this variant in disease. Therefore, it has been classified as a Variant of Uncertain Significance.

Literature cited by the submitters: PubMed 17576681; PubMed 9536098.